The following is an entry in ClinVar:

NC_000007.13:g.(?_91830050)_(91844111_?)del

Gene: KRIT1 (KRIT1 ankyrin repeat containing; minus strand). Cytogenetic location: 7q21.2.
Variant type: Deletion.
Identifiers: ClinVar variation 2427627 (VCV002427627.3).

ClinVar aggregate classification (germline): Pathogenic (1 of 4 stars; one submission).

Conditions:
Cerebral cavernous malformation (CCM). Also called: Cavernous Hemangioma of Brain; CAVERNOUS ANGIOMA, FAMILIAL; CAVERNOUS ANGIOMATOUS MALFORMATIONS; CEREBRAL CAPILLARY MALFORMATIONS; Cerebral cavernous malformations; Cerebral cavernous hemangioma (type). Identifiers: Orphanet 221061, MedGen C2919945, MONDO:0000820, OMIM 116860, HP:0033522.

Submission:

Labcorp Genetics (formerly Invitae), Labcorp
Classification: Pathogenic for Cerebral cavernous malformation. Last evaluated: 2021-10-21. Review status: criteria provided, single submitter. Criteria: Invitae Variant Classification Sherloc (09022015). Collection method: clinical testing. Allele origin: germline.
Comment: This variant is a gross deletion of the genomic region encompassing exon(s) 16-20 of the KRIT1 gene, which includes the termination codon. This deletion extends beyond the assayed region for this gene and therefore may encompass additional genes. While this deletion is not anticipated to lead to nonsense mediated decay, it is expected to alter mRNA translation or result in a truncated protein product. For these reasons, this variant has been classified as Pathogenic. This variant disrupts a region of the KRIT1 protein in which other variant(s) (p.Asn671Thrfs*36) have been determined to be pathogenic (PMID: 31124307; Invitae). This suggests that this is a clinically significant region of the protein, and that variants that disrupt it are likely to be disease-causing. This variant has not been reported in the literature in individuals affected with KRIT1-related conditions.

Literature cited by the submitters: PubMed 31124307.